The following is an entry in ClinVar:

NM_001378615.1(CC2D2A):c.4518A>G (p.Glu1506=)

Genes: CC2D2A (coiled-coil and C2 domain containing 2A; plus strand), FBXL5 (F-box and leucine rich repeat protein 5; minus strand). Cytogenetic location: 4p15.32.
Variant type: single nucleotide variant.
Coding change: c.4518A>G on transcript NM_001378615.1 (MANE Select); coding-DNA position 4518, A replaced by G.
Protein change: p.Glu1506=; no amino-acid change (glutamic acid 1506 retained).
Molecular consequence: synonymous variant.
Genome position (GRCh38, 1-based): chr4:15,599,550, A>G. VCF-style: chr4-15599550-A-G. GRCh37 (hg19) VCF-style: chr4-15601173-A-G.
Other names: c.4518A>G, p.Glu1506= (NM_001080522.2); c.4371A>G, p.Glu1457= (NM_001378617.1).
Identifiers: ClinVar variation 696088 (VCV000696088.33), dbSNP rs772272007, ClinGen allele CA2864405.

ClinVar aggregate classification (germline): Likely benign. Review status: criteria provided, multiple submitters, no conflicts (2 of 4 stars). 4 submissions from 4 submitters: Likely benign (3). 1 of the submissions does not count toward it. Last evaluated 2026-01-13.

Conditions:
CC2D2A-related disorder. Also called: CC2D2A-related disorders; CC2D2A-related condition. Identifiers: MedGen CN239313.
Joubert syndrome. Also called: JOUBERT-BOLTSHAUSER SYNDROME; Familial aplasia of the vermis. Identifiers: Orphanet 475, MedGen C5979921, MONDO:0018772.
Meckel-Gruber syndrome. Also called: Dysencephalia splachnocystica; DYSENCEPHALIA SPLANCHNOCYSTICA; GRUBER SYNDROME. Identifiers: Orphanet 564, MedGen C0265215, MONDO:0018921.

Allele frequency attached by ClinVar (database versions not stated): gnomAD exomes 0.00002 and 0.00004; ExAC 0.00003; TOPMed 0.00006; gnomAD 0.00007 and 0.00008.
gnomAD v4.1: 70 of 1,568,418 alleles (0.0045%); highest among the groups gnomAD compares: Non-Finnish European, 0.0057%; no homozygotes.

Submissions (4):

Labcorp Genetics (formerly Invitae), Labcorp
Classification: Likely benign for Joubert syndrome; Meckel-Gruber syndrome. Last evaluated: 2026-01-13. Review status: criteria provided, single submitter. Criteria: Invitae Variant Classification Sherloc (09022015). Collection method: clinical testing. Allele origin: germline.

CeGaT Center for Human Genetics Tuebingen
Classification: Likely benign. Last evaluated: 2025-02-01. Review status: criteria provided, single submitter. Criteria: CeGaT Center For Human Genetics Tuebingen Variant Classification Criteria Version 2. Collection method: clinical testing. Allele origin: germline. Affected: yes. Observed: 3 variant alleles.
Comment: CC2D2A: BP4, BP7

Blueprint Genetics
Classification: Likely benign. Last evaluated: 2022-06-28. Review status: criteria provided, single submitter. Criteria: ACMG Guidelines, 2015. Collection method: clinical testing. Allele origin: germline.

PreventionGenetics, part of Exact Sciences
Classification: Likely benign for CC2D2A-related condition. Last evaluated: 2023-05-26. Review status: no assertion criteria provided. Collection method: clinical testing. Allele origin: germline. Not counted in ClinVar's aggregate classification.
Comment: This variant is classified as likely benign based on ACMG/AMP sequence variant interpretation guidelines (Richards et al. 2015 PMID: 25741868, with internal and published modifications).